The following is an entry in ClinVar:

ClinVar aggregate classification (germline): Uncertain significance (1 of 4 stars; one submission).

Submission:

GeneDx
Classification: Uncertain significance. Last evaluated: 2023-10-22. Review status: criteria provided, single submitter. Criteria: GeneDx Variant Classification Process June 2021. Collection method: clinical testing. Allele origin: germline. Affected: yes.
Comment: Not observed at significant frequency in large population cohorts (gnomAD); In silico analysis supports that this missense variant does not alter protein structure/function; Has not been previously published as pathogenic or benign to our knowledge

NM_012330.4(KAT6B):c.1160G>C (p.Gly387Ala)

Gene: KAT6B (lysine acetyltransferase 6B; plus strand). Cytogenetic location: 10q22.2.
Variant type: single nucleotide variant.
Coding change: c.1160G>C on transcript NM_012330.4 (MANE Select); coding-DNA position 1160, G replaced by C.
Protein change: p.Gly387Ala; replaces glycine 387 with alanine.
Molecular consequence: missense variant. On other transcripts: intron variant (11).
Genome position (GRCh38, 1-based): chr10:74,975,497, G>C. VCF-style: chr10-74975497-G-C. GRCh37 (hg19) VCF-style: chr10-76735255-G-C.
Other names: c.1160G>C, p.Gly387Ala (NM_001256468.2, NM_001370136.1, NM_001370137.1 and 1 more transcripts); c.1117+43G>C (NM_001370139.1, NM_001370140.1, NM_001370141.1 and 3 more transcripts); c.846+5722G>C (NM_001370133.1); c.193-3727G>C (NM_001370134.1); c.929-1819G>C (NM_001370143.1, NM_001370144.1); c.193-13522G>C (NM_001370135.1); short protein forms G387A.
Identifiers: ClinVar variation 1708620 (VCV001708620.3), dbSNP rs1375469474, ClinGen allele CA377284792.